The following is an entry in ClinVar:

ClinVar aggregate classification (germline): Likely pathogenic (1 of 4 stars; one submission).

Conditions:
RAD51B-related cancer predisposition.

Submission:

Institute for Genomic Medicine (IGM) Clinical Laboratory, Nationwide Children's Hospital
Classification: Likely pathogenic for RAD51B-related cancer predisposition. Last evaluated: 2023-06-30. Review status: criteria provided, single submitter. Criteria: ACMG Guidelines, 2015. Collection method: clinical testing. Allele origin: germline.
Comment: This variant is predicted to result in loss of function through nonsense-mediated decay of the encoded transcript or premature truncation of the encoded protein in a gene in which loss of function is a known mechanism of disease (ACMG/AMP: PVS1_Strong; PMIDs:26261251, 29255180, 34635660). This variant is absent from or present at an exceedingly low frequency in gnomAD, a large-scale control population database (ACMG/AMP: PM2).

Literature cited by the submitters: PubMed 26261251; PubMed 29255180; PubMed 34635660.

NM_133510.4(RAD51B):c.772C>T (p.Gln258Ter)

Gene: RAD51B (RAD51 paralog B; plus strand). Cytogenetic location: 14q24.1.
Variant type: single nucleotide variant.
Coding change: c.772C>T on transcript NM_133510.4 (MANE Select); coding-DNA position 772, C replaced by T.
Protein change: p.Gln258Ter; replaces glutamine 258 with a stop codon.
Molecular consequence: nonsense.
Genome position (GRCh38, 1-based): chr14:68,291,899, C>T. VCF-style: chr14-68291899-C-T. GRCh37 (hg19) VCF-style: chr14-68758616-C-T.
Other names: c.772C>T, p.Gln258Ter (NM_001321809.2, NM_001321810.2, NM_001321812.1 and 6 more transcripts); c.658C>T, p.Gln220Ter (NM_001321815.1); c.415C>T, p.Gln139Ter (NM_001321817.2); short protein forms Q139*, Q220*, Q258*.
Identifiers: ClinVar variation 4759309 (VCV004759309.1).